The following is an entry in ClinVar:

NM_198576.4(AGRN):c.1434G>A (p.Thr478=)

Gene: AGRN (agrin; plus strand). Cytogenetic location: 1p36.33.
Variant type: single nucleotide variant.
Coding change: c.1434G>A on transcript NM_198576.4 (MANE Select); coding-DNA position 1434, G replaced by A.
Protein change: p.Thr478=; no amino-acid change (threonine 478 retained).
Molecular consequence: synonymous variant.
Genome position (GRCh38, 1-based): chr1:1,043,288, G>A. VCF-style: chr1-1043288-G-A. GRCh37 (hg19) VCF-style: chr1-978668-G-A.
Other names: p.Thr478=; c.1434G>A (LRG_198t1); c.1434G>A, p.Thr478= (NM_001305275.2); c.1119G>A, p.Thr373= (NM_001364727.2).
Identifiers: ClinVar variation 263162 (VCV000263162.42), dbSNP rs147346337, ClinGen allele CA508187.

ClinVar aggregate classification (germline): Benign/Likely benign. Review status: criteria provided, multiple submitters, no conflicts (2 of 4 stars). 7 submissions from 7 submitters: Benign (5); Likely benign (2). Last evaluated 2026-01-27.

Conditions:
Congenital myasthenic syndrome 8. Also called: MYASTHENIC SYNDROME, CONGENITAL, DUE TO AGRIN DEFICIENCY; Myasthenic syndrome, congenital, 8, with pre- and postsynaptic defects. Identifiers: Orphanet 590, MedGen C3808739, MONDO:0014052, OMIM 615120.

Allele frequency attached by ClinVar (database versions not stated): 1000 Genomes Project 30x 0.00156; 1000 Genomes Project 0.00160; gnomAD exomes 0.00272; gnomAD 0.00280 and 0.00281; TOPMed 0.00287; ExAC 0.00327; ESP Exome Variant Server 0.00477.
gnomAD v4.1: 6,546 of 1,611,818 alleles (0.41%); highest among the groups gnomAD compares: Non-Finnish European, 0.47%; 25 homozygotes.

Submissions (7):

Labcorp Genetics (formerly Invitae), Labcorp
Classification: Benign for Congenital myasthenic syndrome 8. Last evaluated: 2026-01-27. Review status: criteria provided, single submitter. Criteria: Invitae Variant Classification Sherloc (09022015). Collection method: clinical testing. Allele origin: germline.

CeGaT Center for Human Genetics Tuebingen
Classification: Likely benign. Last evaluated: 2025-07-01. Review status: criteria provided, single submitter. Criteria: CeGaT Center For Human Genetics Tuebingen Variant Classification Criteria Version 2. Collection method: clinical testing. Allele origin: germline. Affected: yes. Observed: 6 variant alleles.
Comment: AGRN: BP4, BP7, BS2

Mayo Clinic Laboratories, Mayo Clinic
Classification: Benign. Last evaluated: 2025-01-21. Review status: criteria provided, single submitter. Criteria: ACMG Guidelines, 2015. Collection method: clinical testing. Allele origin: germline. Observed: 3 variant alleles.
Comment: BS1, BS2, BP4, BP7

Blueprint Genetics
Classification: Likely benign. Last evaluated: 2024-10-31. Review status: criteria provided, single submitter. Criteria: ACMG Guidelines, 2015. Collection method: clinical testing. Allele origin: germline.

GeneDx
Classification: Benign. Last evaluated: 2020-01-13. Review status: criteria provided, single submitter. Criteria: GeneDx Variant Classification Process June 2021. Collection method: clinical testing. Allele origin: germline. Affected: yes.

Athena Diagnostics
Classification: Benign. Last evaluated: 2018-03-05. Review status: criteria provided, single submitter. Criteria: Athena Diagnostics Criteria. Collection method: clinical testing. Allele origin: germline.

PreventionGenetics, part of Exact Sciences
Classification: Benign. Review status: criteria provided, single submitter. Criteria: ACMG Guidelines, 2015. Collection method: clinical testing. Allele origin: germline.